The following is an entry in ClinVar:

NM_080425.4(GNAS):c.326C>A (p.Pro109His)

Gene: GNAS (GNAS complex locus; plus strand). Cytogenetic location: 20q13.32.
Variant type: single nucleotide variant.
Coding change: c.326C>A on transcript NM_080425.4 (MANE Plus Clinical); coding-DNA position 326, C replaced by A.
Protein change: p.Pro109His; replaces proline 109 with histidine.
Molecular consequence: missense variant. On other transcripts: intron variant (3).
Genome position (GRCh38, 1-based): chr20:58,853,591, C>A. VCF-style: chr20-58853591-C-A. GRCh37 (hg19) VCF-style: chr20-57428646-C-A.
Other names: c.139C>A, p.Pro47Thr (NM_001077490.3, NM_001309883.1); c.326C>A, p.Pro109His (NM_001410913.1); c.*42+12705C>A (NM_016592.5); c.43+12705C>A (NM_001410912.1); c.-39+11716C>A (NM_001309861.2); short protein forms P109H, P47T.
Identifiers: ClinVar variation 2628693 (VCV002628693.1), dbSNP rs2086274791, ClinGen allele CA409455052.

ClinVar aggregate classification (germline): Uncertain significance (1 of 4 stars; one submission).

Conditions:
GNAS-related disorder. Identifiers: MedGen CN380105.

gnomAD v4.1: 1 of 1,613,318 alleles (0.000062%); no homozygotes.

Submission:

PreventionGenetics, part of Exact Sciences
Classification: Uncertain significance for GNAS-related condition. Last evaluated: 2023-01-05. Review status: criteria provided, single submitter. Criteria: ACMG Guidelines, 2015. Collection method: clinical testing. Allele origin: germline.
Comment: The GNAS c.326C>A variant is predicted to result in the amino acid substitution p.Pro109His. In the primary transcript (NM_000516.5), this variant is found within a non-coding region (c.-38136C>A). To our knowledge, this variant has not been reported in the literature or in a large population database, indicating this variant is rare. At this time, the clinical significance of this variant is uncertain due to the absence of conclusive functional and genetic evidence.